The following is an entry in ClinVar:

NM_000326.5(RLBP1):c.638C>G (p.Ala213Gly)

Gene: RLBP1 (retinaldehyde binding protein 1; minus strand). Cytogenetic location: 15q26.1.
Variant type: single nucleotide variant.
Coding change: c.638C>G on transcript NM_000326.5 (MANE Select); coding-DNA position 638, C replaced by G.
Protein change: p.Ala213Gly; replaces alanine 213 with glycine.
Molecular consequence: missense variant.
Genome position (GRCh38, 1-based): chr15:89,211,789, G>C on the plus strand (C>G on the coding strand, the complement: RLBP1 is on the minus strand). VCF-style: chr15-89211789-G-C. GRCh37 (hg19) VCF-style: chr15-89755020-G-C.
Other names: short protein forms A213G.
Identifiers: ClinVar variation 842409 (VCV000842409.9), dbSNP rs142215175, ClinGen allele CA7722232.

ClinVar aggregate classification (germline): Likely benign. Review status: criteria provided, multiple submitters, no conflicts (2 of 4 stars). 3 submissions from 3 submitters: Likely benign (2). 1 of the submissions does not count toward it. Last evaluated 2026-01-28.

Conditions:
RLBP1-related disorder. Also called: RLBP1-related disorders; RLBP1-related condition. Identifiers: MedGen CN239413.

Allele frequency attached by ClinVar (database versions not stated): gnomAD exomes 0.00016; ExAC 0.00020; 1000 Genomes Project 0.00040; 1000 Genomes Project 30x 0.00047; ESP Exome Variant Server 0.00069; gnomAD 0.00070 and 0.00074; TOPMed 0.00074.
gnomAD v4.1: 192 of 1,614,180 alleles (0.012%); highest among the groups gnomAD compares: African/African-American, 0.23%; 1 homozygote.

Submissions (3):

Labcorp Genetics (formerly Invitae), Labcorp
Classification: Likely benign. Last evaluated: 2026-01-28. Review status: criteria provided, single submitter. Criteria: Invitae Variant Classification Sherloc (09022015). Collection method: clinical testing. Allele origin: germline.

Blueprint Genetics
Classification: Likely benign. Last evaluated: 2024-05-31. Review status: criteria provided, single submitter. Criteria: ACMG Guidelines, 2015. Collection method: clinical testing. Allele origin: germline.

PreventionGenetics, part of Exact Sciences
Classification: Likely benign for RLBP1-related condition. Last evaluated: 2024-05-24. Review status: no assertion criteria provided. Collection method: clinical testing. Allele origin: germline. Not counted in ClinVar's aggregate classification.
Comment: This variant is classified as likely benign based on ACMG/AMP sequence variant interpretation guidelines (Richards et al. 2015 PMID: 25741868, with internal and published modifications).